The following is an entry in ClinVar:

NM_001378454.1(ALMS1):c.8804C>T (p.Ala2935Val)

Gene: ALMS1 (ALMS1 centrosome and basal body associated protein; plus strand). Cytogenetic location: 2p13.1.
Variant type: single nucleotide variant.
Coding change: c.8804C>T on transcript NM_001378454.1 (MANE Select); coding-DNA position 8804, C replaced by T.
Protein change: p.Ala2935Val; replaces alanine 2935 with valine.
Molecular consequence: missense variant.
Genome position (GRCh38, 1-based): chr2:73,490,763, C>T. VCF-style: chr2-73490763-C-T. GRCh37 (hg19) VCF-style: chr2-73717890-C-T.
Other names: c.8807C>T, p.Ala2936Val (NM_015120.4); short protein forms A2935V, A2936V.
Identifiers: ClinVar variation 1902063 (VCV001902063.2), dbSNP rs2466217753, ClinGen allele CA347270646.

ClinVar aggregate classification (germline): Uncertain significance (1 of 4 stars; one submission).

Conditions:
Alstrom syndrome (ALMS). Identifiers: Orphanet 64, MedGen C0268425, MONDO:0008763, OMIM 203800.

gnomAD v4.1: 1 of 1,614,102 alleles (0.000062%); no homozygotes.

Submission:

Labcorp Genetics (formerly Invitae), Labcorp
Classification: Uncertain significance for Alstrom syndrome. Last evaluated: 2022-09-27. Review status: criteria provided, single submitter. Criteria: Invitae Variant Classification Sherloc (09022015). Collection method: clinical testing. Allele origin: germline.
Comment: This sequence change replaces alanine, which is neutral and non-polar, with valine, which is neutral and non-polar, at codon 2936 of the ALMS1 protein (p.Ala2936Val). This variant is not present in population databases (gnomAD no frequency). This variant has not been reported in the literature in individuals affected with ALMS1-related conditions. Experimental studies and prediction algorithms are not available or were not evaluated, and the functional significance of this variant is currently unknown. In summary, the available evidence is currently insufficient to determine the role of this variant in disease. Therefore, it has been classified as a Variant of Uncertain Significance.